The following is an entry in ClinVar:

ClinVar aggregate classification (germline): Uncertain significance (1 of 4 stars; one submission).

Conditions:
Cardiomyopathy (CMYO). Also called: Cardiomyopathies. Identifiers: Orphanet 167848, MedGen C0878544, MONDO:0004994, HP:0001638. Inheritance: Various modes of inheritance.

Submission:

All of Us Research Program, National Institutes of Health
Classification: Uncertain significance for Cardiomyopathy. Last evaluated: 2023-05-31. Review status: criteria provided, single submitter. Criteria: ACMG Guidelines, 2015. Collection method: clinical testing. Allele origin: germline. Inheritance: Autosomal dominant inheritance. Observed: 1 variant allele, 1 heterozygote.
Comment: This study involves interpretation of variants in research participants for the purpose of population health screening. Participant phenotype was not available at the time of variant classification. Additional details can be found in publication PMID: 35346344, PMCID: PMC8962531

NM_000257.4(MYH7):c.5225A>G (p.Glu1742Gly)

Genes: MYH7 (myosin heavy chain 7; minus strand), LOC126861897 (BRD4-independent group 4 enhancer GRCh37_chr14:23884455-23885654; plus strand). Cytogenetic location: 14q11.2.
Variant type: single nucleotide variant.
Coding change: c.5225A>G on transcript NM_000257.4 (MANE Select); coding-DNA position 5225, A replaced by G.
Protein change: p.Glu1742Gly; replaces glutamic acid 1742 with glycine.
Molecular consequence: missense variant.
Genome position (GRCh38, 1-based): chr14:23,415,439, T>C on the plus strand (A>G on the coding strand, the complement: MYH7 is on the minus strand). VCF-style: chr14-23415439-T-C. GRCh37 (hg19) VCF-style: chr14-23884648-T-C.
Other names: c.5225A>G, p.Glu1742Gly (NM_001407004.1); short protein forms E1742G.
Identifiers: ClinVar variation 3071165 (VCV003071165.1), dbSNP rs2502240985, ClinGen allele CA389036267.
Genomic context (GRCh38, chr14:23,415,439, plus strand): 5'-ACATCCGTGATGGCCTTCTTGGCCTTCTCCTCAGCATTCCTGCACTCCTGCACTGCCTCC[T>C]CCACTTCAGTCTGGAGCTGGGACAGGTCAGCATCCATCTTCTTCTTCTGGTTGATGAGGC-3'
Protein context (NP_000248.2, residues 1732-1752): ADLSQLQTEV[Glu1742Gly]EAVQECRNAE